The following is an entry in ClinVar:

NM_000130.5(F5):c.1772G>C (p.Gly591Ala)

Gene: F5 (coagulation factor V; minus strand). Cytogenetic location: 1q24.2.
Variant type: single nucleotide variant.
Coding change: c.1772G>C on transcript NM_000130.5 (MANE Select); coding-DNA position 1772, G replaced by C.
Protein change: p.Gly591Ala; replaces glycine 591 with alanine.
Molecular consequence: missense variant.
Genome position (GRCh38, 1-based): chr1:169,544,499, C>G on the plus strand (G>C on the coding strand, the complement: F5 is on the minus strand). VCF-style: chr1-169544499-C-G. GRCh37 (hg19) VCF-style: chr1-169513737-C-G.
Other names: short protein forms G591A.
Identifiers: ClinVar variation 2671650 (VCV002671650.1), dbSNP rs369354157, ClinGen allele CA343123066.

ClinVar aggregate classification (germline): Uncertain significance (1 of 4 stars; one submission).

Conditions:
Congenital factor V deficiency. Also called: Hereditary factor V deficiency disease; LABILE FACTOR DEFICIENCY; OWREN PARAHEMOPHILIA; PARAHEMOPHILIA. Identifiers: Orphanet 326, MedGen C0015499, MONDO:0009210, OMIM 227400.

Submission:

Neuberg Centre For Genomic Medicine, NCGM
Classification: Uncertain significance for Congenital factor V deficiency. Last evaluated: 2023-03-01. Review status: criteria provided, single submitter. Criteria: ACMG Guidelines, 2015. Collection method: clinical testing. Allele origin: germline. Inheritance: Autosomal recessive inheritance. Affected: yes.
Comment: The missense variant c.1772G>C(p.Gly591Ala) in F5 gene has not been reported previously as a pathogenic variant nor as a benign variant, to our knowledge. The p.Gly591Ala variant is novel (not in any individuals) in gnomAD Exomes and 1000 Genomes. This variant has not been reported to the ClinVar database. The amino acid change p.Gly591Ala in F5 is predicted as conserved by GERP++ and PhyloP across 100 vertebrates. The amino acid Gly at position 591 is changed to a Ala changing protein sequence and it might alter its composition and physico-chemical properties. For these reasons, this variant has been classified as Uncertain Significance (VUS).